The following is an entry in ClinVar:

NM_000742.4(CHRNA2):c.1082C>T (p.Thr361Ile)

Gene: CHRNA2 (cholinergic receptor nicotinic alpha 2 subunit; minus strand). Cytogenetic location: 8p21.2.
Variant type: single nucleotide variant.
Coding change: c.1082C>T on transcript NM_000742.4 (MANE Select); coding-DNA position 1082, C replaced by T.
Protein change: p.Thr361Ile; replaces threonine 361 with isoleucine.
Molecular consequence: missense variant.
Genome position (GRCh38, 1-based): chr8:27,463,361, G>A on the plus strand (C>T on the coding strand, the complement: CHRNA2 is on the minus strand). VCF-style: chr8-27463361-G-A. GRCh37 (hg19) VCF-style: chr8-27320878-G-A.
Other names: c.1037C>T, p.Thr346Ile (NM_001282455.2); c.605C>T, p.Thr202Ile (NM_001347705.2, NM_001347706.2); c.488C>T, p.Thr163Ile (NM_001347707.2, NM_001347708.2); short protein forms T163I, T202I, T346I, T361I.
Identifiers: ClinVar variation 1715869 (VCV001715869.5), dbSNP rs1182551223, ClinGen allele CA370809541.

ClinVar aggregate classification (germline): Uncertain significance (1 of 4 stars; one submission).

Conditions:
Familial sleep-related hypermotor epilepsy. Also called: Autosomal Dominant Sleep-Related Hypermotor (Hyperkinetic) Epilepsy. Identifiers: Orphanet 98784, MedGen C3696898, MONDO:0000030.

gnomAD v4.1: 5 of 1,614,070 alleles (0.00031%); highest among the groups gnomAD compares: East Asian, 0.0022%; no homozygotes.

Submission:

Labcorp Genetics (formerly Invitae), Labcorp
Classification: Uncertain significance. Last evaluated: 2022-09-06. Review status: criteria provided, single submitter. Criteria: Invitae Variant Classification Sherloc (09022015). Collection method: clinical testing. Allele origin: germline.
Comment: In summary, the available evidence is currently insufficient to determine the role of this variant in disease. Therefore, it has been classified as a Variant of Uncertain Significance. Advanced modeling of protein sequence and biophysical properties (such as structural, functional, and spatial information, amino acid conservation, physicochemical variation, residue mobility, and thermodynamic stability) performed at Invitae indicates that this missense variant is not expected to disrupt CHRNA2 protein function. This variant has not been reported in the literature in individuals affected with CHRNA2-related conditions. This variant is present in population databases (no rsID available, gnomAD 0.0009%). This sequence change replaces threonine, which is neutral and polar, with isoleucine, which is neutral and non-polar, at codon 361 of the CHRNA2 protein (p.Thr361Ile).